The following is an entry in ClinVar:

NM_006892.4(DNMT3B):c.289C>G (p.Arg97Gly)

Gene: DNMT3B (DNA methyltransferase 3 beta; plus strand). Cytogenetic location: 20q11.21.
Variant type: single nucleotide variant.
Coding change: c.289C>G on transcript NM_006892.4 (MANE Select); coding-DNA position 289, C replaced by G.
Protein change: p.Arg97Gly; replaces arginine 97 with glycine.
Molecular consequence: missense variant. On other transcripts: intron variant (1).
Genome position (GRCh38, 1-based): chr20:32,784,842, C>G. VCF-style: chr20-32784842-C-G. GRCh37 (hg19) VCF-style: chr20-31372648-C-G.
Other names: c.289C>G, p.Arg97Gly (NM_001207055.2, NM_175848.2, NM_175849.2); c.325C>G, p.Arg109Gly (NM_175850.3); c.205-2388C>G (NM_001207056.2); short protein forms R109G, R97G.
Identifiers: ClinVar variation 965493 (VCV000965493.1), dbSNP rs769220144, ClinGen allele CA313183070.

ClinVar aggregate classification (germline): Uncertain significance (1 of 4 stars; one submission).

Conditions:
Centromeric instability of chromosomes 1,9 and 16 and immunodeficiency (ICF1). Also called: IMMUNE DEFICIENCY, VARIABLE, WITH CENTROMERIC INSTABILITY OF CHROMOSOMES 1, 9, AND 16; IMMUNODEFICIENCY SYNDROME, VARIABLE; Immunodeficiency-centromeric instability-facial anomalies; CENTROMERIC INSTABILITY, IMMUNODEFICIENCY SYNDROME. Identifiers: Orphanet 2268, MedGen C0398788, MONDO:0000133.

gnomAD v4.1: 1 of 1,613,962 alleles (0.000062%); highest among the groups gnomAD compares: African/African-American, 0.0013%; no homozygotes.

Submission:

Labcorp Genetics (formerly Invitae), Labcorp
Classification: Uncertain significance for Centromeric instability of chromosomes 1,9 and 16 and immunodeficiency. Last evaluated: 2019-10-02. Review status: criteria provided, single submitter. Criteria: Invitae Variant Classification Sherloc (09022015). Collection method: clinical testing. Allele origin: germline.
Comment: This sequence change replaces arginine with glycine at codon 97 of the DNMT3B protein (p.Arg97Gly). The arginine residue is moderately conserved and there is a moderate physicochemical difference between arginine and glycine. This variant is not present in population databases (ExAC no frequency). This variant has not been reported in the literature in individuals with DNMT3B-related conditions. Algorithms developed to predict the effect of missense changes on protein structure and function are either unavailable or do not agree on the potential impact of this missense change (SIFT: "Tolerated"; PolyPhen-2: "Benign"; Align-GVGD: "Class C0"). In summary, the available evidence is currently insufficient to determine the role of this variant in disease. Therefore, it has been classified as a Variant of Uncertain Significance.